The following is an entry in ClinVar:

ClinVar aggregate classification (germline): Uncertain significance (1 of 4 stars; one submission).

Conditions:
Neuroblastoma, susceptibility to, 3. Also called: ALK-Related Neuroblastic Tumor Susceptibility. Identifiers: Orphanet 635, MedGen C2751681, MONDO:0013083, OMIM 613014.

Submission:

Labcorp Genetics (formerly Invitae), Labcorp
Classification: Uncertain significance for Neuroblastoma, susceptibility to, 3. Last evaluated: 2023-03-26. Review status: criteria provided, single submitter. Criteria: Invitae Variant Classification Sherloc (09022015). Collection method: clinical testing. Allele origin: germline.
Comment: In summary, the available evidence is currently insufficient to determine the role of this variant in disease. Therefore, it has been classified as a Variant of Uncertain Significance. An algorithm developed to predict the effect of missense changes on protein structure and function (PolyPhen-2) suggests that this variant is likely to be tolerated. This variant has not been reported in the literature in individuals affected with ALK-related conditions. This variant is not present in population databases (gnomAD no frequency). This sequence change replaces valine, which is neutral and non-polar, with alanine, which is neutral and non-polar, at codon 612 of the ALK protein (p.Val612Ala).

NM_004304.5(ALK):c.1835T>C (p.Val612Ala)

Gene: ALK (ALK receptor tyrosine kinase; minus strand). Cytogenetic location: 2p23.2.
Variant type: single nucleotide variant.
Coding change: c.1835T>C on transcript NM_004304.5 (MANE Select); coding-DNA position 1835, T replaced by C.
Protein change: p.Val612Ala; replaces valine 612 with alanine.
Molecular consequence: missense variant.
Genome position (GRCh38, 1-based): chr2:29,275,479, A>G on the plus strand (T>C on the coding strand, the complement: ALK is on the minus strand). VCF-style: chr2-29275479-A-G. GRCh37 (hg19) VCF-style: chr2-29498345-A-G.
Other names: short protein forms V612A.
Identifiers: ClinVar variation 2849604 (VCV002849604.3), dbSNP rs2465332283, ClinGen allele CA346480017.